The following is an entry in ClinVar:

ClinVar aggregate classification (germline): Uncertain significance (1 of 4 stars; one submission).

Conditions:
Atypical hemolytic-uremic syndrome. Identifiers: Orphanet 2134, MedGen C2931788, MONDO:0016244.
Factor H deficiency (CFHD). Also called: COMPLEMENT FACTOR H DEFICIENCY; CFH DEFICIENCY. Identifiers: Orphanet 200421, MedGen C0398777, MONDO:0012350, OMIM 609814.

Submission:

Genomenon, Inc
Classification: Uncertain significance for Atypical hemolytic-uremic syndrome; Factor H deficiency. Last evaluated: 2026-09-17. Review status: criteria provided, single submitter. Criteria: Genomenon Sequence Variant Interpretation Standards - Updated. Collection method: curation. Allele origin: germline. Affected: yes.
Comment: CFH p.Trp558Cys (c.1674G>C) is a missense variant that changes the amino acid at codon 558 from tryptophan to cysteine. This variant has been observed in at least one proband affected with a CFH-related disorder (PMID: 29888403). It is absent or not present at a significant frequency in gnomAD. In silico models predict that this variant is possibly or probably damaging. In conclusion, we classify CFH p.Trp558Cys (c.1674G>C) as a variant of uncertain significance.

Literature cited by the submitters: PubMed 29888403.

NM_000186.4(CFH):c.1674G>C (p.Trp558Cys)

Gene: CFH (complement factor H; plus strand). Cytogenetic location: 1q31.3.
Variant type: single nucleotide variant.
Coding change: c.1674G>C on transcript NM_000186.4 (MANE Select); coding-DNA position 1674, G replaced by C.
Protein change: p.Trp558Cys; replaces tryptophan 558 with cysteine.
Molecular consequence: missense variant.
Genome position (GRCh38, 1-based): chr1:196,715,747, G>C. VCF-style: chr1-196715747-G-C. GRCh37 (hg19) VCF-style: chr1-196684877-G-C.
Other names: short protein forms W558C.
Identifiers: ClinVar variation 4291407 (VCV004291407.2).